The following is an entry in ClinVar:

NM_138387.4(G6PC3):c.358G>T (p.Ala120Ser)

Gene: G6PC3 (glucose-6-phosphatase catalytic subunit 3; plus strand). Cytogenetic location: 17q21.31.
Variant type: single nucleotide variant.
Coding change: c.358G>T on transcript NM_138387.4 (MANE Select); coding-DNA position 358, G replaced by T.
Protein change: p.Ala120Ser; replaces alanine 120 with serine.
Molecular consequence: missense variant.
Genome position (GRCh38, 1-based): chr17:44,074,712, G>T. VCF-style: chr17-44074712-G-T. GRCh37 (hg19) VCF-style: chr17-42152080-G-T.
Other names: c.358G>T, p.Ala120Ser (NM_001319945.2); c.13G>T, p.Ala5Ser (NM_001384165.1, NM_001384166.1, NM_001384167.1 and 1 more transcripts); c.358G>T (NM_138387.3); short protein forms A5S, A120S.
Identifiers: ClinVar variation 1470969 (VCV001470969.6), dbSNP rs2050044130, ClinGen allele CA399726243.

ClinVar aggregate classification (germline): Uncertain significance. Review status: criteria provided, multiple submitters, no conflicts (2 of 4 stars). 2 submissions from 2 submitters: Uncertain significance (2). Last evaluated 2025-05-09.

Conditions:
Autosomal recessive severe congenital neutropenia due to G6PC3 deficiency. Also called: NEUTROPENIA, SEVERE CONGENITAL, 4, AUTOSOMAL RECESSIVE; G6PC3 Deficiency. Identifiers: Orphanet 331176, MedGen C2751630, MONDO:0012930, OMIM 612541.
Inborn genetic diseases. Identifiers: MedGen C0950123, MeSH D030342.

gnomAD v4.1: 1 of 1,614,056 alleles (0.000062%); highest among the groups gnomAD compares: Non-Finnish European, 0.000085%; no homozygotes.

Submissions (2):

Ambry Genetics
Classification: Uncertain significance for Inborn genetic diseases. Last evaluated: 2025-05-09. Review status: criteria provided, single submitter. Criteria: Ambry Variant Classification Scheme 2023. Collection method: clinical testing. Allele origin: germline.
Comment: The p.A120S variant (also known as c.358G>T), located in coding exon 3 of the G6PC3 gene, results from a G to T substitution at nucleotide position 358. The alanine at codon 120 is replaced by serine, an amino acid with similar properties. This amino acid position is conserved. In addition, the in silico prediction for this alteration is inconclusive. Based on the available evidence, the clinical significance of this variant remains unclear.

Labcorp Genetics (formerly Invitae), Labcorp
Classification: Uncertain significance for Autosomal recessive severe congenital neutropenia due to G6PC3 deficiency. Last evaluated: 2022-01-13. Review status: criteria provided, single submitter. Criteria: Invitae Variant Classification Sherloc (09022015). Collection method: clinical testing. Allele origin: germline.
Comment: This sequence change replaces alanine, which is neutral and non-polar, with serine, which is neutral and polar, at codon 120 of the G6PC3 protein (p.Ala120Ser). This variant is not present in population databases (gnomAD no frequency). This variant has not been reported in the literature in individuals affected with G6PC3-related conditions. Algorithms developed to predict the effect of missense changes on protein structure and function are either unavailable or do not agree on the potential impact of this missense change (SIFT: "Deleterious"; PolyPhen-2: "Probably Damaging"; Align-GVGD: "Class C15"). In summary, the available evidence is currently insufficient to determine the role of this variant in disease. Therefore, it has been classified as a Variant of Uncertain Significance.